The following is an entry in ClinVar:

ClinVar aggregate classification (germline): Uncertain significance (1 of 4 stars; one submission).

gnomAD v4.1: 2 of 1,613,650 alleles (0.00012%); highest among the groups gnomAD compares: South Asian, 0.0011%; no homozygotes.

Submission:

Labcorp Genetics (formerly Invitae), Labcorp
Classification: Uncertain significance. Last evaluated: 2024-12-22. Review status: criteria provided, single submitter. Criteria: Invitae Variant Classification Sherloc (09022015). Collection method: clinical testing. Allele origin: germline.
Comment: This sequence change creates a premature translational stop signal (p.Glu568*) in the SLC1A2 gene. While this is not anticipated to result in nonsense mediated decay, it is expected to disrupt the last 7 amino acid(s) of the SLC1A2 protein. This variant is present in population databases (rs752217517, gnomAD 0.003%). This variant has not been reported in the literature in individuals affected with SLC1A2-related conditions. Algorithms developed to predict the effect of sequence changes on RNA splicing suggest that this variant may disrupt the consensus splice site. In summary, the available evidence is currently insufficient to determine the role of this variant in disease. Therefore, it has been classified as a Variant of Uncertain Significance.

NM_004171.4(SLC1A2):c.1702G>T (p.Glu568Ter)

Gene: SLC1A2 (solute carrier family 1 member 2; minus strand). Cytogenetic location: 11p13.
Variant type: single nucleotide variant.
Coding change: c.1702G>T on transcript NM_004171.4 (MANE Select); coding-DNA position 1702, G replaced by T.
Protein change: p.Glu568Ter; replaces glutamic acid 568 with a stop codon.
Molecular consequence: nonsense.
Genome position (GRCh38, 1-based): chr11:35,260,917, C>A on the plus strand (G>T on the coding strand, the complement: SLC1A2 is on the minus strand). VCF-style: chr11-35260917-C-A. GRCh37 (hg19) VCF-style: chr11-35282464-C-A.
Other names: c.1675G>T, p.Glu559Ter (NM_001195728.3, NM_001252652.2); short protein forms E559*, E568*.
Identifiers: ClinVar variation 3727747 (VCV003727747.2).
Genomic context (GRCh38, chr11:35,260,917, plus strand): 5'-GGGGAGTTTATTCAAGAATTTGCTGAGACTCATATCCTTATTTCTCACGTTTCCAAGGTT[C>A]TTCCTCAACACTGCAGTCGGCTGACTTTCCATTGGCTGCCAGAGTTACCTGAAAATAATT-3'